The following is an entry in ClinVar:

ClinVar aggregate classification (germline): Conflicting classifications of pathogenicity. Review status: criteria provided, conflicting classifications (1 of 4 stars). 2 submissions from 2 submitters: Uncertain significance (1); Likely benign (1). Last evaluated 2024-09-10.

Allele frequency attached by ClinVar (database versions not stated): gnomAD exomes 0.00003; ExAC 0.00004; gnomAD 0.00010 and 0.00011.
gnomAD v4.1: 39 of 1,208,469 alleles (0.0032%); highest among the groups gnomAD compares: Admixed American, 0.035%; no homozygotes.

Submissions (2):

Blueprint Genetics
Classification: Likely benign. Last evaluated: 2024-09-10. Review status: criteria provided, single submitter. Criteria: ACMG Guidelines, 2015. Collection method: clinical testing. Allele origin: germline.

Labcorp Genetics (formerly Invitae), Labcorp
Classification: Uncertain significance. Last evaluated: 2023-08-10. Review status: criteria provided, single submitter. Criteria: Invitae Variant Classification Sherloc (09022015). Collection method: clinical testing. Allele origin: germline.
Comment: This variant has not been reported in the literature in individuals affected with CACNA1F-related conditions. In summary, the available evidence is currently insufficient to determine the role of this variant in disease. Therefore, it has been classified as a Variant of Uncertain Significance. Advanced modeling of protein sequence and biophysical properties (such as structural, functional, and spatial information, amino acid conservation, physicochemical variation, residue mobility, and thermodynamic stability) performed at Invitae indicates that this missense variant is not expected to disrupt CACNA1F protein function. ClinVar contains an entry for this variant (Variation ID: 1474057). This variant is present in population databases (rs782540789, gnomAD 0.02%). This sequence change replaces valine, which is neutral and non-polar, with isoleucine, which is neutral and non-polar, at codon 363 of the CACNA1F protein (p.Val363Ile).

NM_001256789.3(CACNA1F):c.1087G>A (p.Val363Ile)

Gene: CACNA1F (calcium voltage-gated channel subunit alpha1 F; minus strand). Cytogenetic location: Xp11.23.
Variant type: single nucleotide variant.
Coding change: c.1087G>A on transcript NM_001256789.3 (MANE Select); coding-DNA position 1087, G replaced by A.
Protein change: p.Val363Ile; replaces valine 363 with isoleucine.
Molecular consequence: missense variant.
Genome position (GRCh38, 1-based): chrX:49,228,067, C>T on the plus strand (G>A on the coding strand, the complement: CACNA1F is on the minus strand). VCF-style: chrX-49228067-C-T. GRCh37 (hg19) VCF-style: chrX-49084529-C-T.
Other names: c.892G>A, p.Val298Ile (NM_001256790.3); c.1087G>A, p.Val363Ile (NM_005183.4); short protein forms V298I, V363I.
Identifiers: ClinVar variation 1474057 (VCV001474057.7), dbSNP rs782540789, ClinGen allele CA10410956.